The following is an entry in ClinVar:

ClinVar aggregate classification (germline): Likely benign. Review status: criteria provided, multiple submitters, no conflicts (2 of 4 stars). 3 submissions from 3 submitters: Likely benign (3). Last evaluated 2024-05-30.

Conditions:
Hypertrophic cardiomyopathy. Also called: HYPERTROPHIC MYOCARDIOPATHY. Identifiers: Orphanet 217569, MedGen C0007194, MeSH D002312, MONDO:0005045, HP:0001639.

Submissions (3):

All of Us Research Program, National Institutes of Health
Classification: Likely benign for Hypertrophic cardiomyopathy. Last evaluated: 2024-05-30. Review status: criteria provided, single submitter. Criteria: ACMG Guidelines, 2015. Collection method: clinical testing. Allele origin: germline. Inheritance: Autosomal dominant inheritance. Observed: 1 variant allele, 1 heterozygote.
Comment: This study involves interpretation of variants in research participants for the purpose of population health screening. Participant phenotype was not available at the time of variant classification. Additional details can be found in publication PMID: 35346344, PMCID: PMC8962531

Labcorp Genetics (formerly Invitae), Labcorp
Classification: Likely benign for Hypertrophic cardiomyopathy. Last evaluated: 2024-03-13. Review status: criteria provided, single submitter. Criteria: Invitae Variant Classification Sherloc (09022015). Collection method: clinical testing. Allele origin: germline.

GeneDx
Classification: Likely benign. Last evaluated: 2017-10-30. Review status: criteria provided, single submitter. Criteria: GeneDx Variant Classification (06012015). Collection method: clinical testing. Allele origin: germline. Affected: yes.
Comment: This variant is considered likely benign or benign based on one or more of the following criteria: it is a conservative change, it occurs at a poorly conserved position in the protein, it is predicted to be benign by multiple in silico algorithms, and/or has population frequency not consistent with disease.

NM_000256.3(MYBPC3):c.1881C>A (p.Ala627=)

Gene: MYBPC3 (myosin binding protein C3; minus strand). Cytogenetic location: 11p11.2.
Variant type: single nucleotide variant.
Coding change: c.1881C>A on transcript NM_000256.3 (MANE Select); coding-DNA position 1881, C replaced by A.
Protein change: p.Ala627=; no amino-acid change (alanine 627 retained).
Molecular consequence: synonymous variant.
Genome position (GRCh38, 1-based): chr11:47,341,154, G>T on the plus strand (C>A on the coding strand, the complement: MYBPC3 is on the minus strand). VCF-style: chr11-47341154-G-T. GRCh37 (hg19) VCF-style: chr11-47362705-G-T.
Other names: c.1881C>A, p.Ala627= (LRG_386t1).
Identifiers: ClinVar variation 513028 (VCV000513028.4), dbSNP rs1555121890, ClinGen allele CA474218165.